The following is an entry in ClinVar:

ClinVar aggregate classification (germline): Benign. Review status: criteria provided, multiple submitters, no conflicts (2 of 4 stars). 4 submissions from 4 submitters: Benign (3). 1 of the submissions does not count toward it. Last evaluated 2026-02-02.

Conditions:
PTPN23-related disorder. Also called: PTPN23-related condition.
Neurodevelopmental disorder and structural brain anomalies with or without seizures and spasticity. Identifiers: MedGen C5394423, MONDO:0030046, OMIM 618890.

Allele frequency attached by ClinVar (database versions not stated): gnomAD exomes 0.00053 and 0.00152; ExAC 0.00196; gnomAD 0.00575 and 0.00614; ESP Exome Variant Server 0.00592; TOPMed 0.00605; 1000 Genomes Project 0.00799; 1000 Genomes Project 30x 0.00859.

Submissions (4):

Labcorp Genetics (formerly Invitae), Labcorp
Classification: Benign. Last evaluated: 2026-02-02. Review status: criteria provided, single submitter. Criteria: Invitae Variant Classification Sherloc (09022015). Collection method: clinical testing. Allele origin: germline.

ARUP Laboratories, Molecular Genetics and Genomics, ARUP Laboratories
Classification: Benign for Neurodevelopmental disorder and structural brain anomalies with or without seizures and spasticity. Last evaluated: 2024-10-11. Review status: criteria provided, single submitter. Criteria: ARUP Molecular Germline Variant Investigation Process 2024. Collection method: clinical testing. Allele origin: germline.

Breakthrough Genomics
Classification: Benign. Review status: criteria provided, single submitter. Criteria: ACMG Guidelines, 2015. Collection method: not provided. Allele origin: germline. Inheritance: Autosomal recessive inheritance. Affected: yes.

PreventionGenetics, part of Exact Sciences
Classification: Benign for PTPN23-related condition. Last evaluated: 2019-03-20. Review status: no assertion criteria provided. Collection method: clinical testing. Allele origin: germline. Not counted in ClinVar's aggregate classification.
Comment: This variant is classified as benign based on ACMG/AMP sequence variant interpretation guidelines (Richards et al. 2015 PMID: 25741868, with internal and published modifications).

NM_015466.4(PTPN23):c.1628C>T (p.Pro543Leu)

Gene: PTPN23 (protein tyrosine phosphatase non-receptor type 23; plus strand). Cytogenetic location: 3p21.31.
Variant type: single nucleotide variant.
Coding change: c.1628C>T on transcript NM_015466.4 (MANE Select); coding-DNA position 1628, C replaced by T.
Protein change: p.Pro543Leu; replaces proline 543 with leucine.
Molecular consequence: missense variant.
Genome position (GRCh38, 1-based): chr3:47,409,073, C>T. VCF-style: chr3-47409073-C-T. GRCh37 (hg19) VCF-style: chr3-47450563-C-T.
Other names: c.1250C>T, p.Pro417Leu (NM_001304482.2); short protein forms P543L, P417L.
Identifiers: ClinVar variation 721723 (VCV000721723.12), dbSNP rs145771357, ClinGen allele CA2365774.
Genomic context (GRCh38, chr3:47,409,073, plus strand): 5'-TCGGCAACCTGCGCCTGCTCAGCGGGCCGCTTGACCAGGTCCGGGCTGCCCTGCCCACAC[C>T]GGCCCTCTCCCCAGGTGAGCCCCACCAGACCCCATTGGGAGACTCGAGCTGGGGGTTTCT-3'
Protein context (NP_056281.1, residues 533-553): LDQVRAALPT[Pro543Leu]ALSPEDKAVL